The following is an entry in ClinVar:

NM_000431.4(MVK):c.14T>C (p.Val5Ala)

Gene: MVK (mevalonate kinase; plus strand). Cytogenetic location: 12q24.11.
Variant type: single nucleotide variant.
Coding change: c.14T>C on transcript NM_000431.4 (MANE Select); coding-DNA position 14, T replaced by C.
Protein change: p.Val5Ala; replaces valine 5 with alanine.
Molecular consequence: missense variant.
Genome position (GRCh38, 1-based): chr12:109,574,836, T>C. VCF-style: chr12-109574836-T-C. GRCh37 (hg19) VCF-style: chr12-110012641-T-C.
Other names: c.14T>C (LRG_156t1); c.14T>C, p.Val5Ala (NM_001114185.3, NM_001301182.2); short protein forms V5A.
Identifiers: ClinVar variation 234376 (VCV000234376.19), dbSNP rs141765653, ClinGen allele CA6779127.
Genomic context (GRCh38, chr12:109,574,836, plus strand): 5'-ATCTTTGCTCTTCTCATTGGCTTTCCCTTTTAGGATTCCCAGGAGCCATGTTGTCAGAAG[T>C]CCTACTGGTGTCTGCTCCGGGGAAAGTCATCCTTCATGGAGAACATGCCGTGGTACATGG-3'
Protein context (NP_000422.1, residues 1-15): MLSE[Val5Ala]LLVSAPGKVI

ClinVar aggregate classification (germline): Conflicting classifications of pathogenicity. Review status: criteria provided, conflicting classifications (1 of 4 stars). 8 submissions from 7 submitters: Uncertain significance (7); Likely benign (1). Last evaluated 2026-08-03.

Conditions:
Autoinflammatory syndrome. Identifiers: Orphanet 93665, MedGen C3890737, MONDO:0019751.
MVK-related disorder. Also called: MVK-related condition; MVK-related disorders. Identifiers: MedGen CN239294.
Porokeratosis 3, disseminated superficial actinic type (POROK3). Also called: POROKERATOSIS, DISSEMINATED SUPERFICIAL ACTINIC, 1; POROKERATOSIS 3, MULTIPLE TYPES; POROKERATOSIS 3, MIBELLI TYPE. Identifiers: MedGen C1867981, MONDO:0008293, OMIM 175900.
Mevalonic aciduria (MEVA). Identifiers: Orphanet 29, MedGen C1959626, MONDO:0012481, OMIM 610377.
Hyperimmunoglobulin D with periodic fever (HIDS). Also called: Hyperimmunoglobulinemia D; HYPERIMMUNOGLOBULINEMIA D AND PERIODIC FEVER SYNDROME; Hyperimmunoglobulinemia D with periodic fever. Identifiers: Orphanet 343, MedGen C0398691, MONDO:0009849, OMIM 260920.

Allele frequency attached by ClinVar (database versions not stated): gnomAD exomes 0.00002 and 0.00004; gnomAD 0.00004 and 0.00005; ExAC 0.00007; TOPMed 0.00007; 1000 Genomes Project 30x 0.00016; 1000 Genomes Project 0.00020.
gnomAD v4.1: 37 of 1,606,410 alleles (0.0023%); highest among the groups gnomAD compares: Middle Eastern, 0.15%; no homozygotes.

Submissions (8):

PreventionGenetics, part of Exact Sciences
Classification: Uncertain significance for MVK-related condition. Last evaluated: 2026-08-03. Review status: criteria provided, single submitter. Criteria: ACMG Guidelines, 2015. Collection method: clinical testing. Allele origin: germline.
Comment: The MVK c.14T>C variant is predicted to result in the amino acid substitution p.Val5Ala. To our knowledge, this variant has not been reported in the literature. This variant is reported in 0.0065% of alleles in individuals of European (Non-Finnish) descent in gnomAD. At this time, the clinical significance of this variant is uncertain due to the absence of conclusive functional and genetic evidence.

Labcorp Genetics (formerly Invitae), Labcorp
Classification: Uncertain significance for Mevalonic aciduria; Hyperimmunoglobulin D with periodic fever; Porokeratosis 3, disseminated superficial actinic type. Last evaluated: 2026-01-01. Review status: criteria provided, single submitter. Criteria: Invitae Variant Classification Sherloc (09022015). Collection method: clinical testing. Allele origin: germline.
Comment: This sequence change replaces valine, which is neutral and non-polar, with alanine, which is neutral and non-polar, at codon 5 of the MVK protein (p.Val5Ala). This variant is present in population databases (rs141765653, gnomAD 0.007%). This variant has not been reported in the literature in individuals affected with MVK-related conditions. ClinVar contains an entry for this variant (Variation ID: 234376). An algorithm developed to predict the effect of missense changes on protein structure and function outputs the following: PolyPhen-2: "Benign". The alanine amino acid residue is found in multiple mammalian species, which suggests that this missense change does not adversely affect protein function. In summary, the available evidence is currently insufficient to determine the role of this variant in disease. Therefore, it has been classified as a Variant of Uncertain Significance.

Blueprint Genetics
Classification: Likely benign. Last evaluated: 2024-09-20. Review status: criteria provided, single submitter. Criteria: ACMG Guidelines, 2015. Collection method: clinical testing. Allele origin: germline.

Genome Diagnostics Laboratory, The Hospital for Sick Children
Classification: Uncertain significance for Autoinflammatory syndrome. Last evaluated: 2021-03-23. Review status: criteria provided, single submitter. Criteria: ACMG Guidelines, 2015. Collection method: clinical testing. Allele origin: germline. Affected: yes.

Baylor Genetics
Classification: Uncertain significance for Mevalonic aciduria. Last evaluated: 2019-12-02. Review status: criteria provided, single submitter. Criteria: ACMG Guidelines, 2015. Collection method: clinical testing. Allele origin: unknown. Affected: yes.
Comment: This variant was determined to be of uncertain significance according to ACMG Guidelines, 2015 [PMID:25741868].

Illumina Laboratory Services, Illumina
Classification: Uncertain significance for Hyperimmunoglobulin D with periodic fever. Last evaluated: 2018-01-13. Review status: criteria provided, single submitter. Criteria: ICSL Variant Classification Criteria 13 December 2019. Collection method: clinical testing. Allele origin: germline.

Illumina Laboratory Services, Illumina
Classification: Uncertain significance for Mevalonic aciduria. Last evaluated: 2018-01-13. Review status: criteria provided, single submitter. Criteria: ICSL Variant Classification Criteria 13 December 2019. Collection method: clinical testing. Allele origin: germline.

GeneDx
Classification: Uncertain significance. Last evaluated: 2015-12-31. Review status: criteria provided, single submitter. Criteria: GeneDx Variant Classification (06012015). Collection method: clinical testing. Allele origin: germline. Affected: yes.
Comment: To our knowledge, the V5A variant has not been published as a pathogenic variant, nor has it been reported as a benign variant. It was not observed in approximately 6,500 individuals of European and African American ancestry in the NHLBI Exome Sequencing Project, indicating it is not a common benign variant in these populations. V5A is a conservative amino acid substitution, which is not likely to impact secondary protein structure as these residues share similar properties. This substitution occurs at a position that is not conserved across species. However, in-silico analysis predicts this variant likely does not alter the protein structure/function. Missense variants in nearby residues (M1L/I, A10V) have been reported in the Human Gene Mutation Database in association with MVK-related disorders (Stenson et al., 2014), supporting the functional importance of this region of the protein. Therefore, based on the currently available information, it is unclear whether this variant is a pathogenic change or a rare benign variant.